The following is an entry in ClinVar:

NM_001018005.2(TPM1):c.51C>A (p.Asn17Lys)

Gene: TPM1 (tropomyosin 1; plus strand). Cytogenetic location: 15q22.2.
Variant type: single nucleotide variant.
Coding change: c.51C>A on transcript NM_001018005.2 (MANE Select); coding-DNA position 51, C replaced by A.
Protein change: p.Asn17Lys; replaces asparagine 17 with lysine.
Molecular consequence: missense variant. On other transcripts: non-coding transcript variant (11).
Genome position (GRCh38, 1-based): chr15:63,042,880, C>A. VCF-style: chr15-63042880-C-A. GRCh37 (hg19) VCF-style: chr15-63335079-C-A.
Other names: c.51C>A, p.Asn17Lys (NM_000366.6, NM_001018004.2, NM_001018006.2 and 24 more transcripts); short protein forms N17K.
Identifiers: ClinVar variation 3072548 (VCV003072548.1), dbSNP rs878854150, ClinGen allele CA392718027.

ClinVar aggregate classification (germline): Uncertain significance (1 of 4 stars; one submission).

Conditions:
Hypertrophic cardiomyopathy. Also called: HYPERTROPHIC MYOCARDIOPATHY. Identifiers: Orphanet 217569, MedGen C0007194, MeSH D002312, MONDO:0005045, HP:0001639.

gnomAD v4.1: 2 of 1,613,202 alleles (0.00012%); highest among the groups gnomAD compares: Non-Finnish European, 0.00017%; no homozygotes.

Submission:

All of Us Research Program, National Institutes of Health
Classification: Uncertain significance for Hypertrophic cardiomyopathy. Last evaluated: 2023-08-08. Review status: criteria provided, single submitter. Criteria: ACMG Guidelines, 2015. Collection method: clinical testing. Allele origin: germline. Inheritance: Autosomal dominant inheritance. Observed: 1 variant allele, 1 heterozygote.
Comment: This missense variant replaces asparagine with lysine at codon 17 of the TPM1 protein. Computational prediction is inconclusive regarding the impact of this variant on protein structure and function (internally defined REVEL score threshold 0.5 < inconclusive < 0.7, PMID: 27666373). To our knowledge, functional studies have not been reported for this variant. This variant has not been reported in individuals affected with TPM1-related disorders in the literature. This variant has not been identified in the general population by the Genome Aggregation Database (gnomAD). The available evidence is insufficient to determine the role of this variant in disease conclusively. Therefore, this variant is classified as a Variant of Uncertain Significance.

This study involves interpretation of variants in research participants for the purpose of population health screening. Participant phenotype was not available at the time of variant classification. Additional details can be found in publication PMID: 35346344, PMCID: PMC8962531